The following is an entry in ClinVar:

NM_001394062.1(MACF1):c.15455C>A (p.Thr5152Asn)

Gene: MACF1 (microtubule actin crosslinking factor 1; plus strand). Cytogenetic location: 1p34.3.
Variant type: single nucleotide variant.
Coding change: c.15455C>A on transcript NM_001394062.1 (MANE Select); coding-DNA position 15455, C replaced by A.
Protein change: p.Thr5152Asn; replaces threonine 5152 with asparagine.
Molecular consequence: missense variant.
Genome position (GRCh38, 1-based): chr1:39,388,297, C>A. VCF-style: chr1-39388297-C-A. GRCh37 (hg19) VCF-style: chr1-39853969-C-A.
Other names: c.9269C>A, p.Thr3090Asn (NM_012090.5); short protein forms T3090N, T5152N.
Identifiers: ClinVar variation 3725850 (VCV003725850.2).

ClinVar aggregate classification (germline): Uncertain significance (1 of 4 stars; one submission).

Submission:

Labcorp Genetics (formerly Invitae), Labcorp
Classification: Uncertain significance. Last evaluated: 2025-04-14. Review status: criteria provided, single submitter. Criteria: Invitae Variant Classification Sherloc (09022015). Collection method: clinical testing. Allele origin: germline.
Comment: This sequence change replaces threonine, which is neutral and polar, with asparagine, which is neutral and polar, at codon 3090 of the MACF1 protein (p.Thr3090Asn). This variant is not present in population databases (gnomAD no frequency). This variant has not been reported in the literature in individuals affected with MACF1-related conditions. ClinVar contains an entry for this variant (Variation ID: 3725850). An algorithm developed to predict the effect of missense changes on protein structure and function (PolyPhen-2) suggests that this variant is likely to be tolerated. In summary, the available evidence is currently insufficient to determine the role of this variant in disease. Therefore, it has been classified as a Variant of Uncertain Significance.